The following is an entry in ClinVar:

ClinVar aggregate classification (germline): Likely benign. Review status: criteria provided, multiple submitters, no conflicts (2 of 4 stars). 4 submissions from 4 submitters: Likely benign (4). Last evaluated 2024-08-06.

Conditions:
Aortic aneurysm, familial thoracic 6 (AAT6). Also called: FAMILIAL THORACIC AORTIC ANEURYSM WITH LIVEDO RETICULARIS AND IRIS FLOCCULI. Identifiers: MedGen C2673186, MONDO:0012730, OMIM 611788.
Familial thoracic aortic aneurysm and aortic dissection (TAAD). Also called: Thoracic aortic aneurysms and dissections. Identifiers: Orphanet 91387, MedGen C4707243, MONDO:0019625.

Allele frequency attached by ClinVar (database versions not stated): ExAC 0.00001; gnomAD exomes 0.00001.
gnomAD v4.1: 4 of 1,614,014 alleles (0.00025%); highest among the groups gnomAD compares: Non-Finnish European, 0.00034%; no homozygotes.

Submissions (4):

All of Us Research Program, National Institutes of Health
Classification: Likely benign for Familial thoracic aortic aneurysm and aortic dissection. Last evaluated: 2024-08-06. Review status: criteria provided, single submitter. Criteria: ACMG Guidelines, 2015. Collection method: clinical testing. Allele origin: germline. Inheritance: Autosomal dominant inheritance. Observed: 1 variant allele, 1 heterozygote.
Comment: This study involves interpretation of variants in research participants for the purpose of population health screening. Participant phenotype was not available at the time of variant classification. Additional details can be found in publication PMID: 35346344, PMCID: PMC8962531

Blueprint Genetics
Classification: Likely benign. Last evaluated: 2024-06-26. Review status: criteria provided, single submitter. Criteria: ACMG Guidelines, 2015. Collection method: clinical testing. Allele origin: germline.

Labcorp Genetics (formerly Invitae), Labcorp
Classification: Likely benign for Aortic aneurysm, familial thoracic 6. Last evaluated: 2022-07-26. Review status: criteria provided, single submitter. Criteria: Invitae Variant Classification Sherloc (09022015). Collection method: clinical testing. Allele origin: germline.

Color Diagnostics, LLC DBA Color Health
Classification: Likely benign for Familial thoracic aortic aneurysm and aortic dissection. Last evaluated: 2019-07-02. Review status: criteria provided, single submitter. Criteria: ACMG Guidelines, 2015. Collection method: clinical testing. Allele origin: germline.

NM_001613.4(ACTA2):c.579G>A (p.Lys193=)

Gene: ACTA2 (actin alpha 2, smooth muscle; minus strand). Cytogenetic location: 10q23.31.
Variant type: single nucleotide variant.
Coding change: c.579G>A on transcript NM_001613.4 (MANE Select); coding-DNA position 579, G replaced by A.
Protein change: p.Lys193=; no amino-acid change (lysine 193 retained).
Molecular consequence: synonymous variant.
Genome position (GRCh38, 1-based): chr10:88,941,266, C>T on the plus strand (G>A on the coding strand, the complement: ACTA2 is on the minus strand). VCF-style: chr10-88941266-C-T. GRCh37 (hg19) VCF-style: chr10-90701023-C-T.
Other names: c.579G>A, p.Lys193= (NM_001141945.3, NM_001320855.2, NM_001406462.1 and 3 more transcripts); c.468G>A, p.Lys156= (NM_001406466.1); c.450G>A, p.Lys150= (NM_001406467.1, NM_001406468.1, NM_001406469.1).
Identifiers: ClinVar variation 924675 (VCV000924675.14), dbSNP rs772458406, ClinGen allele CA028724.